The following is an entry in ClinVar:

NM_153252.5(BRWD3):c.964T>C (p.Ser322Pro)

Gene: BRWD3 (bromodomain and WD repeat domain containing 3; minus strand). Cytogenetic location: Xq21.1.
Variant type: single nucleotide variant.
Coding change: c.964T>C on transcript NM_153252.5 (MANE Select); coding-DNA position 964, T replaced by C.
Protein change: p.Ser322Pro; replaces serine 322 with proline.
Molecular consequence: missense variant.
Genome position (GRCh38, 1-based): chrX:80,735,148, A>G on the plus strand (T>C on the coding strand, the complement: BRWD3 is on the minus strand). VCF-style: chrX-80735148-A-G. GRCh37 (hg19) VCF-style: chrX-79990647-A-G.
Other names: short protein forms S322P.
Identifiers: ClinVar variation 3368898 (VCV003368898.1).

ClinVar aggregate classification (germline): Uncertain significance (1 of 4 stars; one submission).

Submission:

GeneDx
Classification: Uncertain significance. Last evaluated: 2024-02-08. Review status: criteria provided, single submitter. Criteria: GeneDx Variant Classification Process June 2021. Collection method: clinical testing. Allele origin: germline. Affected: yes.
Comment: Not observed at significant frequency in large population cohorts (gnomAD); In silico analysis supports that this missense variant does not alter protein structure/function; Has not been previously published as pathogenic or benign to our knowledge